The following is an entry in ClinVar:

ClinVar aggregate classification (germline): Uncertain significance. Review status: criteria provided, multiple submitters, no conflicts (2 of 4 stars). 3 submissions from 3 submitters: Uncertain significance (3). Last evaluated 2023-01-12.

Conditions:
Hereditary cancer-predisposing syndrome. Also called: Tumor predisposition; Hereditary neoplastic syndrome; Hereditary Cancer Syndrome; Neoplastic Syndromes, Hereditary. Identifiers: Orphanet 140162, MedGen C0027672, MeSH D009386, MONDO:0015356.
Cardiovascular phenotype. Identifiers: MedGen CN230736.
Neurofibromatosis, type 1 (NF1). Also called: NEUROFIBROMATOSIS, TYPE I, SOMATIC; VON RECKLINGHAUSEN DISEASE; Peripheral type neurofibromatosis; Neurofibromatosis, type I. Identifiers: Orphanet 636, MedGen C0027831, MONDO:0018975, OMIM 162200. Disease mechanism: loss of function.

Submissions (3):

GeneDx
Classification: Uncertain significance. Last evaluated: 2023-01-12. Review status: criteria provided, single submitter. Criteria: GeneDx Variant Classification Process June 2021. Collection method: clinical testing. Allele origin: germline. Affected: yes.
Comment: Not observed at significant frequency in large population cohorts (gnomAD); In silico analysis supports that this missense variant has a deleterious effect on protein structure/function; Has not been previously published as pathogenic or benign to our knowledge; This variant is associated with the following publications: (PMID: 25486365)

Labcorp Genetics (formerly Invitae), Labcorp
Classification: Uncertain significance for Neurofibromatosis, type 1. Last evaluated: 2021-10-21. Review status: criteria provided, single submitter. Criteria: Invitae Variant Classification Sherloc (09022015). Collection method: clinical testing. Allele origin: germline.
Comment: This sequence change replaces aspartic acid with glycine at codon 556 of the NF1 protein (p.Asp556Gly). The aspartic acid residue is moderately conserved and there is a moderate physicochemical difference between aspartic acid and glycine. This variant is not present in population databases (ExAC no frequency). This variant has not been reported in the literature in individuals affected with NF1-related conditions. Advanced modeling of protein sequence and biophysical properties (such as structural, functional, and spatial information, amino acid conservation, physicochemical variation, residue mobility, and thermodynamic stability) performed at Invitae indicates that this missense variant is not expected to disrupt NF1 protein function. Algorithms developed to predict the effect of sequence changes on RNA splicing suggest that this variant may create or strengthen a splice site. In summary, the available evidence is currently insufficient to determine the role of this variant in disease. Therefore, it has been classified as a Variant of Uncertain Significance.

Ambry Genetics
Classification: Uncertain significance for Cardiovascular phenotype; Hereditary cancer-predisposing syndrome. Last evaluated: 2021-04-13. Review status: criteria provided, single submitter. Criteria: Ambry Variant Classification Scheme 2023. Collection method: clinical testing. Allele origin: germline.
Comment: The p.D556G variant (also known as c.1667A>G), located in coding exon 15 of the NF1 gene, results from an A to G substitution at nucleotide position 1667. The aspartic acid at codon 556 is replaced by glycine, an amino acid with similar properties. This amino acid position is well conserved in available vertebrate species. In addition, this alteration is predicted to be tolerated by in silico analysis. Since supporting evidence is limited at this time, the clinical significance of this alteration remains unclear.

NM_001042492.3(NF1):c.1667A>G (p.Asp556Gly)

Gene: NF1 (neurofibromin 1; plus strand). Cytogenetic location: 17q11.2.
Variant type: single nucleotide variant.
Coding change: c.1667A>G on transcript NM_001042492.3 (MANE Select); coding-DNA position 1667, A replaced by G.
Protein change: p.Asp556Gly; replaces aspartic acid 556 with glycine.
Molecular consequence: missense variant.
Genome position (GRCh38, 1-based): chr17:31,221,875, A>G. VCF-style: chr17-31221875-A-G. GRCh37 (hg19) VCF-style: chr17-29548893-A-G.
Other names: c.1667A>G, p.Asp556Gly (NM_000267.4, NM_001128147.3); short protein forms D556G.
Identifiers: ClinVar variation 1449811 (VCV001449811.8), dbSNP rs2144004099, ClinGen allele CA399002259.